The following is an entry in ClinVar:

NM_020812.4(DOCK6):c.3452G>A (p.Arg1151His)

Gene: DOCK6 (dedicator of cytokinesis 6; minus strand). Cytogenetic location: 19p13.2.
Variant type: single nucleotide variant.
Coding change: c.3452G>A on transcript NM_020812.4 (MANE Select); coding-DNA position 3452, G replaced by A.
Protein change: p.Arg1151His; replaces arginine 1151 with histidine.
Molecular consequence: missense variant.
Genome position (GRCh38, 1-based): chr19:11,221,949, C>T on the plus strand (G>A on the coding strand, the complement: DOCK6 is on the minus strand). VCF-style: chr19-11221949-C-T. GRCh37 (hg19) VCF-style: chr19-11332625-C-T.
Other names: c.3557G>A, p.Arg1186His (NM_001367830.1); short protein forms R1151H, R1186H.
Identifiers: ClinVar variation 1907375 (VCV001907375.6), dbSNP rs762209501, ClinGen allele CA305317089.

ClinVar aggregate classification (germline): Uncertain significance. Review status: criteria provided, multiple submitters, no conflicts (2 of 4 stars). 2 submissions from 2 submitters: Uncertain significance (2). Last evaluated 2026-02-01.

Allele frequency attached by ClinVar (database versions not stated): gnomAD 0.00002; TOPMed 0.00002; gnomAD exomes 0.00004.
gnomAD v4.1: 69 of 1,613,676 alleles (0.0043%); highest among the groups gnomAD compares: Middle Eastern, 0.016%; no homozygotes.

Submissions (2):

CeGaT Center for Human Genetics Tuebingen
Classification: Uncertain significance. Last evaluated: 2026-02-01. Review status: criteria provided, single submitter. Criteria: CeGaT Center For Human Genetics Tuebingen Variant Classification Criteria Version 2. Collection method: clinical testing. Allele origin: germline. Affected: yes. Observed: 1 variant allele.
Comment: DOCK6: PM2

Labcorp Genetics (formerly Invitae), Labcorp
Classification: Uncertain significance. Last evaluated: 2022-03-19. Review status: criteria provided, single submitter. Criteria: Invitae Variant Classification Sherloc (09022015). Collection method: clinical testing. Allele origin: germline.
Comment: This sequence change replaces arginine, which is basic and polar, with histidine, which is basic and polar, at codon 1151 of the DOCK6 protein (p.Arg1151His). This variant is present in population databases (rs762209501, gnomAD 0.005%). This variant has not been reported in the literature in individuals affected with DOCK6-related conditions. Algorithms developed to predict the effect of missense changes on protein structure and function are either unavailable or do not agree on the potential impact of this missense change (SIFT: "Deleterious"; PolyPhen-2: "Probably Damaging"; Align-GVGD: "Class C0"). In summary, the available evidence is currently insufficient to determine the role of this variant in disease. Therefore, it has been classified as a Variant of Uncertain Significance.